The following is an entry in ClinVar:

NM_014822.4(SEC24D):c.665C>T (p.Pro222Leu)

Gene: SEC24D (SEC24 homolog D, COPII coat complex component; minus strand). Cytogenetic location: 4q26.
Variant type: single nucleotide variant.
Coding change: c.665C>T on transcript NM_014822.4 (MANE Select); coding-DNA position 665, C replaced by T.
Protein change: p.Pro222Leu; replaces proline 222 with leucine.
Molecular consequence: missense variant.
Genome position (GRCh38, 1-based): chr4:118,815,459, G>A on the plus strand (C>T on the coding strand, the complement: SEC24D is on the minus strand). VCF-style: chr4-118815459-G-A. GRCh37 (hg19) VCF-style: chr4-119736614-G-A.
Other names: c.665C>T, p.Pro222Leu (NM_001318066.2); short protein forms P222L.
Identifiers: ClinVar variation 2197712 (VCV002197712.1), dbSNP rs138326987, ClinGen allele CA3057491.

ClinVar aggregate classification (germline): Uncertain significance (1 of 4 stars; one submission).

Allele frequency attached by ClinVar (database versions not stated): gnomAD exomes 0.00004; TOPMed 0.00004; ExAC 0.00007; gnomAD 0.00007; 1000 Genomes Project 0.00020; ESP Exome Variant Server 0.00023; 1000 Genomes Project 30x 0.00031.
gnomAD v4.1: 70 of 1,614,036 alleles (0.0043%); highest among the groups gnomAD compares: South Asian, 0.016%; no homozygotes.

Submission:

Labcorp Genetics (formerly Invitae), Labcorp
Classification: Uncertain significance. Last evaluated: 2022-03-30. Review status: criteria provided, single submitter. Criteria: Invitae Variant Classification Sherloc (09022015). Collection method: clinical testing. Allele origin: germline.
Comment: This sequence change replaces proline, which is neutral and non-polar, with leucine, which is neutral and non-polar, at codon 222 of the SEC24D protein (p.Pro222Leu). This variant is present in population databases (rs138326987, gnomAD 0.03%). This variant has not been reported in the literature in individuals affected with SEC24D-related conditions. Algorithms developed to predict the effect of missense changes on protein structure and function output the following: SIFT: "Not Available"; PolyPhen-2: "Benign"; Align-GVGD: "Not Available". The leucine amino acid residue is found in multiple mammalian species, which suggests that this missense change does not adversely affect protein function. In summary, the available evidence is currently insufficient to determine the role of this variant in disease. Therefore, it has been classified as a Variant of Uncertain Significance.